The following is an entry in ClinVar:

ClinVar aggregate classification (germline): Uncertain significance (1 of 4 stars; one submission).

Conditions:
Distal myopathy with posterior leg and anterior hand involvement. Also called: WILLIAMS DISTAL MYOPATHY. Identifiers: Orphanet 63273, MedGen C3279722, MONDO:0013550, OMIM 614065.
Hypertrophic cardiomyopathy 26. Also called: Cardiomyopathy, familial hypertrophic, 26. Identifiers: Orphanet 75249, MedGen C4310749, MONDO:0014883, OMIM 617047.
Myofibrillar myopathy 5. Also called: Filaminopathy (type); FILAMINOPATHY, AUTOSOMAL DOMINANT. Identifiers: Orphanet 171445, MedGen C1836050, MONDO:0012289, OMIM 609524.

Submission:

Labcorp Genetics (formerly Invitae), Labcorp
Classification: Uncertain significance for Distal myopathy with posterior leg and anterior hand involvement; Myofibrillar myopathy 5; Hypertrophic cardiomyopathy 26. Last evaluated: 2024-06-20. Review status: criteria provided, single submitter. Criteria: Invitae Variant Classification Sherloc (09022015). Collection method: clinical testing. Allele origin: germline.
Comment: This sequence change replaces valine, which is neutral and non-polar, with alanine, which is neutral and non-polar, at codon 2561 of the FLNC protein (p.Val2561Ala). This variant is not present in population databases (gnomAD no frequency). This variant has not been reported in the literature in individuals affected with FLNC-related conditions. Advanced modeling of protein sequence and biophysical properties (such as structural, functional, and spatial information, amino acid conservation, physicochemical variation, residue mobility, and thermodynamic stability) performed at Invitae indicates that this missense variant is not expected to disrupt FLNC protein function with a negative predictive value of 80%. In summary, the available evidence is currently insufficient to determine the role of this variant in disease. Therefore, it has been classified as a Variant of Uncertain Significance.

NM_001458.5(FLNC):c.7682T>C (p.Val2561Ala)

Genes: FLNC-AS1 (FLNC antisense RNA 1; minus strand), FLNC (filamin C; plus strand). Cytogenetic location: 7q32.1.
Variant type: single nucleotide variant.
Coding change: c.7682T>C on transcript NM_001458.5 (MANE Select); coding-DNA position 7682, T replaced by C.
Protein change: p.Val2561Ala; replaces valine 2561 with alanine.
Molecular consequence: missense variant.
Genome position (GRCh38, 1-based): chr7:128,857,238, T>C. VCF-style: chr7-128857238-T-C. GRCh37 (hg19) VCF-style: chr7-128497292-T-C.
Other names: c.7583T>C, p.Val2528Ala (NM_001127487.2); short protein forms V2528A, V2561A.
Identifiers: ClinVar variation 3756900 (VCV003756900.2).